The following is an entry in ClinVar:

NM_001165963.4(SCN1A):c.602+3_602+6del

Gene: SCN1A (sodium voltage-gated channel alpha subunit 1; minus strand). Cytogenetic location: 2q24.3.
Variant type: Deletion.
Coding change: c.602+3_602+6del on transcript NM_001165963.4 (MANE Select); bases 3 to 6 of the intron after coding-DNA position 602, 4 bases deleted (AAGT; older notation c.602+3_602+6delAAGT).
Molecular consequence: splice donor variant.
Genome position (GRCh38, 1-based): chr2:166,054,632-166,054,635, ACTT deleted on the plus strand (AAGT on the coding strand, the reverse complement: SCN1A is on the minus strand); deleting any 4 consecutive bases within chr2:166,054,632-166,054,637 gives the same sequence; the c. name uses the placement nearest the transcript's 3' end. VCF-style (leftmost placement, unchanged base first): chr2-166054631-CACTT-C. GRCh37 (hg19) VCF-style: chr2-166911141-CACTT-C.
Other names: c.602+3_602+6del (NM_001353949.2, NM_001353958.2, NM_001353950.2 and 10 more transcripts); c.-1824+3_-1824+6del (NM_001353961.2).
Identifiers: ClinVar variation 931569 (VCV000931569.4), dbSNP rs1698937795, ClinGen allele CA1139655696.
Genomic context (GRCh38, chr2:166,054,631, plus strand): 5'-TAAAAGCATAAGCACTGATGGAAAACCAAACTATGTTCTCTCTTAAAGTTTCAAAAAAGG[CACTT>C]ACGCAAATGTAATGACAGTGAAATCGAGCCAGTTCCATGGATCCCGAAGGAAAGTAAAAT-3'

ClinVar aggregate classification (germline): Conflicting classifications of pathogenicity. Review status: criteria provided, conflicting classifications (1 of 4 stars). 2 submissions from 2 submitters: Likely pathogenic (1); Uncertain significance (1). Last evaluated 2022-05-04.

Conditions:
Migraine, familial hemiplegic, 3. Identifiers: Orphanet 569, MedGen C1864987, MONDO:0012320, OMIM 609634.

Submissions (2):

Mendelics
Classification: Uncertain significance. Last evaluated: 2022-05-04. Review status: criteria provided, single submitter. Criteria: Mendelics Assertion Criteria 2019. Collection method: clinical testing. Allele origin: germline.

Centre for Mendelian Genomics, University Medical Centre Ljubljana
Classification: Likely pathogenic for Migraine, familial hemiplegic, 3. Last evaluated: 2016-01-01. Review status: criteria provided, single submitter. Criteria: ACMG Guidelines, 2015. Collection method: clinical testing. Allele origin: unknown. Affected: yes.
Comment: This variant was classified as: Likely pathogenic.